The following is an entry in ClinVar:

ClinVar aggregate classification (germline): Uncertain significance (1 of 4 stars; one submission).

Conditions:
Congenital myotonia, autosomal recessive form. Also called: BECKER DISEASE; Becker Generalized Myotonia; myotonia congenita, autosomal recessive. Identifiers: Orphanet 614, MedGen C0751360, MONDO:0009715, OMIM 255700.
Congenital myotonia, autosomal dominant form (THD). Also called: THOMSEN DISEASE; Myotonia congenita autosomal dominant. Identifiers: Orphanet 614, MedGen C2936781, MONDO:0008055, OMIM 160800.

Submission:

Labcorp Genetics (formerly Invitae), Labcorp
Classification: Uncertain significance for Congenital myotonia, autosomal recessive form; Congenital myotonia, autosomal dominant form. Last evaluated: 2020-11-30. Review status: criteria provided, single submitter. Criteria: Invitae Variant Classification Sherloc (09022015). Collection method: clinical testing. Allele origin: germline.
Comment: This sequence change replaces phenylalanine with valine at codon 297 of the CLCN1 protein (p.Phe297Val). The phenylalanine residue is highly conserved and there is a small physicochemical difference between phenylalanine and valine. This variant is not present in population databases (ExAC no frequency). This variant has not been reported in the literature in individuals with CLCN1-related conditions. Advanced modeling of protein sequence and biophysical properties (such as structural, functional, and spatial information, amino acid conservation, physicochemical variation, residue mobility, and thermodynamic stability) performed at Invitae indicates that this missense variant is expected to disrupt CLCN1 protein function. In summary, the available evidence is currently insufficient to determine the role of this variant in disease. Therefore, it has been classified as a Variant of Uncertain Significance.

NM_000083.3(CLCN1):c.889T>G (p.Phe297Val)

Gene: CLCN1 (chloride voltage-gated channel 1; plus strand). Cytogenetic location: 7q34.
Variant type: single nucleotide variant.
Coding change: c.889T>G on transcript NM_000083.3 (MANE Select); coding-DNA position 889, T replaced by G.
Protein change: p.Phe297Val; replaces phenylalanine 297 with valine.
Molecular consequence: missense variant. On other transcripts: non-coding transcript variant (1).
Genome position (GRCh38, 1-based): chr7:143,330,807, T>G. VCF-style: chr7-143330807-T-G. GRCh37 (hg19) VCF-style: chr7-143027900-T-G.
Other names: short protein forms F297V.
Identifiers: ClinVar variation 1381792 (VCV001381792.8), dbSNP rs2116852202, ClinGen allele CA369641559.